The following is an entry in ClinVar:

NM_013436.5(NCKAP1):c.1016A>G (p.His339Arg)

Gene: NCKAP1 (NCK associated protein 1; minus strand). Cytogenetic location: 2q32.1.
Variant type: single nucleotide variant.
Coding change: c.1016A>G on transcript NM_013436.5 (MANE Select); coding-DNA position 1016, A replaced by G.
Protein change: p.His339Arg; replaces histidine 339 with arginine.
Molecular consequence: missense variant.
Genome position (GRCh38, 1-based): chr2:182,983,371, T>C on the plus strand (A>G on the coding strand, the complement: NCKAP1 is on the minus strand). VCF-style: chr2-182983371-T-C. GRCh37 (hg19) VCF-style: chr2-183848099-T-C.
Other names: c.1010A>G, p.His337Arg (NM_001437266.1); c.1028A>G, p.His343Arg (NM_001437267.1); c.1034A>G, p.His345Arg (NM_205842.3); short protein forms H337R, H343R, H345R, H339R.
Identifiers: ClinVar variation 5009198 (VCV005009198.1).

ClinVar aggregate classification (germline): Uncertain significance (1 of 4 stars; one submission).

Submission:

GeneDx
Classification: Uncertain significance. Last evaluated: 2026-03-14. Review status: criteria provided, single submitter. Criteria: GeneDx Variant Classification Process June 2021. Collection method: clinical testing. Allele origin: germline.
Comment: Not observed at significant frequency in large population cohorts (gnomAD); In silico analysis supports that this missense variant has a deleterious effect on protein structure/function; Has not been previously published as pathogenic or benign to our knowledge